The following is an entry in ClinVar:

ClinVar aggregate classification (germline): Likely pathogenic (3 of 4 stars; one submission).

Conditions:
Phenylketonuria (PKU). Also called: Phenylketonuria (PKU); FOLLING DISEASE; OLIGOPHRENIA PHENYLPYRUVICA; Phenylketonurias. Identifiers: Orphanet 716, MedGen C0031485, MONDO:0009861, OMIM 261600. Disease mechanism: loss of function.

Submission:

ClinGen PAH Variant Curation Expert Panel
Classification: Likely pathogenic for Phenylketonuria. Last evaluated: 2021-11-12. Review status: reviewed by expert panel. Criteria: ClinGen PAH ACMG Specifications v1. Collection method: curation. Allele origin: germline. Inheritance: Autosomal recessive inheritance.
Comment: The c.605C>T (p.A202V) variant in PAH has been reported without confirmed phase with p.Arg408Gln, which is classified as pathogenic by the PAH VCEP (Variation ID 612). It has also been observed in trans to c.442-1G>A (classified as pathogenic by PAH VCEP Variation ID 594) in a patient with classic PKU (PMID: 15319459). In-vitro functional studies are unavailable. This variant is absent from population databases. Multiple lines of computational evidence support a deleterious effect. In summary, this variant meets criteria to be classified as Likely Pathogenic for PAH. PAH-specific ACMG/AMP criteria applied: PM2, PM3, PP3, PP4_moderate.

NM_000277.3(PAH):c.605C>T (p.Ala202Val)

Gene: PAH (phenylalanine hydroxylase; minus strand). Cytogenetic location: 12q23.2.
Variant type: single nucleotide variant.
Coding change: c.605C>T on transcript NM_000277.3 (MANE Select); coding-DNA position 605, C replaced by T.
Protein change: p.Ala202Val; replaces alanine 202 with valine.
Molecular consequence: missense variant.
Genome position (GRCh38, 1-based): chr12:102,855,237, G>A on the plus strand (C>T on the coding strand, the complement: PAH is on the minus strand). VCF-style: chr12-102855237-G-A. GRCh37 (hg19) VCF-style: chr12-103249015-G-A.
Other names: NM_001354304.2:c.605C>T; c.605C>T, p.Ala202Val (NM_001354304.2); short protein forms A202V.
Identifiers: ClinVar variation 1327548 (VCV001327548.1), dbSNP rs2136649533, ClinGen allele CA16020828.